The following is an entry in ClinVar:

NM_001283009.2(RTEL1):c.402G>C (p.Lys134Asn)

Genes: RTEL1 (regulator of telomere elongation helicase 1; plus strand), RTEL1-TNFRSF6B (RTEL1-TNFRSF6B readthrough (NMD candidate); plus strand). Cytogenetic location: 20q13.33.
Variant type: single nucleotide variant.
Coding change: c.402G>C on transcript NM_001283009.2 (MANE Select); coding-DNA position 402, G replaced by C.
Protein change: p.Lys134Asn; replaces lysine 134 with asparagine.
Molecular consequence: missense variant. On other transcripts: non-coding transcript variant (1), 5 prime UTR variant (1).
Genome position (GRCh38, 1-based): chr20:63,662,552, G>C. VCF-style: chr20-63662552-G-C. GRCh37 (hg19) VCF-style: chr20-62293905-G-C.
Other names: c.-268G>C (NM_001283010.1); c.402G>C, p.Lys134Asn (NM_016434.4); c.474G>C, p.Lys158Asn (NM_032957.5); short protein forms K134N, K158N.
Identifiers: ClinVar variation 3948349 (VCV003948349.1).

ClinVar aggregate classification (germline): Uncertain significance (1 of 4 stars; one submission).

Conditions:
Inborn genetic diseases. Identifiers: MedGen C0950123, MeSH D030342.

gnomAD v4.1: 2 of 1,614,080 alleles (0.00012%); highest among the groups gnomAD compares: South Asian, 0.0011%; no homozygotes.

Submission:

Ambry Genetics
Classification: Uncertain significance for Inborn genetic diseases. Last evaluated: 2025-04-21. Review status: criteria provided, single submitter. Criteria: Ambry Variant Classification Scheme 2023. Collection method: clinical testing. Allele origin: germline.
Comment: The p.K134N variant (also known as c.402G>C), located in coding exon 4 of the RTEL1 gene, results from a G to C substitution at nucleotide position 402. The lysine at codon 134 is replaced by asparagine, an amino acid with similar properties. This amino acid position is conserved. In addition, this alteration is predicted to be tolerated by in silico analysis. Based on the available evidence, the clinical significance of this variant remains unclear.